The following is an entry in ClinVar:

ClinVar aggregate classification (germline): Uncertain significance (1 of 4 stars; one submission).

Submission:

Women's Health and Genetics/Laboratory Corporation of America, LabCorp
Classification: Uncertain significance. Last evaluated: 2025-11-06. Review status: criteria provided, single submitter. Criteria: LabCorp Variant Classification Summary - May 2015. Collection method: clinical testing. Allele origin: germline.
Comment: Variant summary: CHD8 c.1406T>C (p.Ile469Thr) results in a non-conservative amino acid change in the encoded protein sequence. Algorithms developed to predict the effect of missense changes on protein structure and function are either unavailable or do not agree on the potential impact of this missense change. The variant was absent in 249298 control chromosomes. The available data on variant occurrences in the general population are insufficient to allow any conclusion about variant significance. To our knowledge, no occurrence of c.1406T>C in individuals affected with CHD8-related conditions and no experimental evidence demonstrating its impact on protein function have been reported. No submitters have cited clinical-significance assessments for this variant to ClinVar. Based on the evidence outlined above, the variant was classified as uncertain significance.

NM_001170629.2(CHD8):c.1406T>C (p.Ile469Thr)

Gene: CHD8 (chromodomain helicase DNA binding protein 8; minus strand). Cytogenetic location: 14q11.2.
Variant type: single nucleotide variant.
Coding change: c.1406T>C on transcript NM_001170629.2 (MANE Select); coding-DNA position 1406, T replaced by C.
Protein change: p.Ile469Thr; replaces isoleucine 469 with threonine.
Molecular consequence: missense variant.
Genome position (GRCh38, 1-based): chr14:21,428,064, A>G on the plus strand (T>C on the coding strand, the complement: CHD8 is on the minus strand). VCF-style: chr14-21428064-A-G. GRCh37 (hg19) VCF-style: chr14-21896223-A-G.
Other names: c.569T>C, p.Ile190Thr (NM_020920.4); short protein forms I190T, I469T.
Identifiers: ClinVar variation 4537009 (VCV004537009.1).
Genomic context (GRCh38, chr14:21,428,064, plus strand): 5'-AACTCGTCCTCATTTAAGACTCGAGGTATGTTCTGCTCACCGCGGGCACGGGCTCTCGCA[A>G]TGGCCTCTGCTACAATCCGATTTGCTTTCTCTTGCTTCTTCTGGTGTTCCAATCTGCGGT-3'
Protein context (NP_001164100.1, residues 459-479): EKANRIVAEA[Ile469Thr]ARARARGEQN